The following is an entry in ClinVar:

NM_201384.3(PLEC):c.12439_12442del (p.Glu4147fs)

Gene: PLEC (plectin; minus strand). Cytogenetic location: 8q24.3.
Variant type: Deletion.
Coding change: c.12439_12442del on transcript NM_201384.3 (MANE Select); coding-DNA positions 12439 to 12442, 4 bases deleted (GAGA; older notation c.12439_12442delGAGA).
Protein change: p.Glu4147fs; shifts the reading frame from glutamic acid 4147.
Molecular consequence: frameshift variant.
Genome position (GRCh38, 1-based): chr8:143,917,379-143,917,382, TCTC deleted on the plus strand (GAGA on the coding strand, the reverse complement: PLEC is on the minus strand). VCF-style (leftmost placement, unchanged base first): chr8-143917378-GTCTC-G. GRCh37 (hg19) VCF-style: chr8-144991546-GTCTC-G.
Other names: c.12451_12454del, p.Glu4151fs (NM_201383.3); c.12520_12523del, p.Glu4174fs (NM_000445.5); c.9139_9142del, p.Glu3047fs (NM_001410941.1); c.12397_12400del, p.Glu4133fs (NM_201378.4); c.12373_12376del, p.Glu4125fs (NM_201379.3); c.12850_12853del, p.Glu4284fs (NM_201380.4); c.12343_12346del, p.Glu4115fs (NM_201381.3); c.12439_12442del, p.Glu4147fs (NM_201382.4); short protein forms E3047fs, E4115fs, E4125fs, E4133fs, E4147fs, E4151fs, E4174fs, E4284fs.
Identifiers: ClinVar variation 3753479 (VCV003753479.2).

ClinVar aggregate classification (germline): Pathogenic (1 of 4 stars; one submission).

Conditions:
Epidermolysis bullosa simplex with nail dystrophy (EBS5D). Identifiers: MedGen C4225309, MONDO:0014661, OMIM 616487.
Epidermolysis bullosa simplex, Ogna type (EBS5A). Also called: Pidermolysis bullosa simplex 5A, Ogna type; EPIDERMOLYSIS BULLOSA SIMPLEX 5A, OGNA TYPE. Identifiers: Orphanet 79401, MedGen C0432317, MONDO:0007555, OMIM 131950.
Autosomal recessive limb-girdle muscular dystrophy type 2Q (LGMDR17). Also called: MUSCULAR DYSTROPHY, LIMB-GIRDLE, AUTOSOMAL RECESSIVE 17. Identifiers: Orphanet 254361, MedGen C3150989, MONDO:0013390, OMIM 613723.
Epidermolysis bullosa simplex 5B, with muscular dystrophy (EBS5B). Also called: EPIDERMOLYSIS BULLOSA SIMPLEX AND LIMB-GIRDLE MUSCULAR DYSTROPHY; Epidermolysis bullosa simplex with muscular dystrophy. Identifiers: Orphanet 257, MedGen C2931072, MONDO:0009181, OMIM 226670.
Epidermolysis bullosa simplex 5C, with pyloric atresia (EBS5C). Also called: PLEC-Related Epidermolysis Bullosa with Pyloric Atresia; Epidermolysis bullosa simplex with pyloric atresia; PLEC1-Related Epidermolysis Bullosa with Pyloric Atresia. Identifiers: Orphanet 158684, MedGen C2677349, MONDO:0012807, OMIM 612138.

Submission:

Labcorp Genetics (formerly Invitae), Labcorp
Classification: Pathogenic for Autosomal recessive limb-girdle muscular dystrophy type 2Q; Epidermolysis bullosa simplex, Ogna type; Epidermolysis bullosa simplex with nail dystrophy; Epidermolysis bullosa simplex 5C, with pyloric atresia; Epidermolysis bullosa simplex 5B, with muscular dystrophy. Last evaluated: 2025-01-28. Review status: criteria provided, single submitter. Criteria: Invitae Variant Classification Sherloc (09022015). Collection method: clinical testing. Allele origin: germline.
Comment: This sequence change creates a premature translational stop signal (p.Glu4174Argfs*15) in the PLEC gene. While this is not anticipated to result in nonsense mediated decay, it is expected to disrupt the last 401 amino acid(s) of the PLEC protein. This variant is not present in population databases (gnomAD no frequency). This variant has not been reported in the literature in individuals affected with PLEC-related conditions. This variant disrupts a region of the PLEC protein in which other variant(s) (p.Lys4460*) have been determined to be pathogenic (PMID: 10652002). This suggests that this is a clinically significant region of the protein, and that variants that disrupt it are likely to be disease-causing. For these reasons, this variant has been classified as Pathogenic.

Literature cited by the submitters: PubMed 10652002.